The following is an entry in ClinVar:

NM_000179.3(MSH6):c.2429del (p.Glu810fs)

Gene: MSH6 (mutS homolog 6; plus strand). Cytogenetic location: 2p16.3.
Variant type: Deletion.
Coding change: c.2429del on transcript NM_000179.3 (MANE Select); coding-DNA position 2429, one base deleted (A; older notation c.2429delA).
Protein change: p.Glu810fs; shifts the reading frame from glutamic acid 810.
Molecular consequence: frameshift variant.
Genome position (GRCh38, 1-based): chr2:47,800,412, A deleted. VCF-style (leftmost placement, unchanged base first): chr2-47800411-GA-G. GRCh37 (hg19) VCF-style: chr2-48027550-GA-G.
Other names: c.2039del, p.Glu680fs (NM_001281492.2); c.1523del, p.Glu508fs (NM_001281493.2, NM_001281494.2); short protein forms E508fs, E680fs, E810fs.
Identifiers: ClinVar variation 811526 (VCV000811526.12), dbSNP rs1572727176, ClinGen allele CA915943932.

ClinVar aggregate classification (germline): Pathogenic. Review status: criteria provided, multiple submitters, no conflicts (2 of 4 stars). 4 submissions from 4 submitters: Pathogenic (4). Last evaluated 2024-08-07.

Conditions:
Lynch syndrome 5 (LYNCH5). Also called: Hereditary non-polyposis colorectal cancer, type 5; Colorectal cancer, hereditary nonpolyposis, type 5. Identifiers: Orphanet 144, MedGen C1833477, MONDO:0013710, OMIM 614350. Disease mechanism: loss of function.
Hereditary nonpolyposis colorectal neoplasms. Identifiers: MedGen C0009405, MeSH D003123.
Hereditary cancer-predisposing syndrome. Also called: Neoplastic Syndromes, Hereditary; Tumor predisposition; Hereditary neoplastic syndrome; Hereditary Cancer Syndrome. Identifiers: Orphanet 140162, MedGen C0027672, MeSH D009386, MONDO:0015356.

Submissions (4):

Labcorp Genetics (formerly Invitae), Labcorp
Classification: Pathogenic for Hereditary nonpolyposis colorectal neoplasms. Last evaluated: 2024-08-07. Review status: criteria provided, single submitter. Criteria: Invitae Variant Classification Sherloc (09022015). Collection method: clinical testing. Allele origin: germline.
Comment: This sequence change creates a premature translational stop signal (p.Glu810Glyfs*3) in the MSH6 gene. It is expected to result in an absent or disrupted protein product. Loss-of-function variants in MSH6 are known to be pathogenic (PMID: 18269114, 24362816). This variant is not present in population databases (gnomAD no frequency). This variant has not been reported in the literature in individuals affected with MSH6-related conditions. ClinVar contains an entry for this variant (Variation ID: 811526). For these reasons, this variant has been classified as Pathogenic.

Myriad Genetics, Inc.
Classification: Pathogenic for Lynch syndrome 5. Last evaluated: 2023-08-17. Review status: criteria provided, single submitter. Criteria: Myriad Autosomal Dominant, Autosomal Recessive and X-Linked Classification Criteria (2023). Collection method: clinical testing. Allele origin: unknown.
Comment: This variant is considered pathogenic. This variant creates a frameshift predicted to result in premature protein truncation.

Ambry Genetics
Classification: Pathogenic for Hereditary cancer-predisposing syndrome. Last evaluated: 2021-01-26. Review status: criteria provided, single submitter. Criteria: Ambry Variant Classification Scheme 2023. Collection method: clinical testing. Allele origin: germline.
Comment: The c.2429delA pathogenic mutation, located in coding exon 4 of the MSH6 gene, results from a deletion of one nucleotide at nucleotide position 2429, causing a translational frameshift with a predicted alternate stop codon (p.E810Gfs*3). This variant was not reported in population-based cohorts in the Genome Aggregation Database (gnomAD). MSH6 c.2429delA has been observed in at least one individual with a personal and/or family history that is consistent with Lynch syndrome-related disease (Ambry internal data). This alteration is expected to result in loss of function by premature protein truncation or nonsense-mediated mRNA decay. As such, this alteration is interpreted as a disease-causing mutation.

ARUP Laboratories, Molecular Genetics and Genomics, ARUP Laboratories
Classification: Pathogenic. Last evaluated: 2019-03-15. Review status: criteria provided, single submitter. Criteria: ARUP Molecular Germline Variant Investigation Process. Collection method: clinical testing. Allele origin: germline.
Comment: The MSH6 c.2429delA; p.Glu810fs variant, to our knowledge, is not reported in the medical literature or gene-specific databases. The variant is also absent from general population databases (1000 Genomes Project, Exome Variant Server, and Genome Aggregation Database), indicating it is not a common polymorphism. This variant causes a frameshift by deleting a single nucleotide, so it is predicted to result in a truncated protein or mRNA subject to nonsense-mediated decay. Considering available information, this variant is classified as pathogenic.

Literature cited by the submitters: PubMed 18269114 (cited by Labcorp Genetics (formerly Invitae), Labcorp); PubMed 24362816 (cited by Labcorp Genetics (formerly Invitae), Labcorp).